The following is an entry in ClinVar:

ClinVar aggregate classification (germline): Uncertain significance (1 of 4 stars; one submission).

Allele frequency attached by ClinVar (database versions not stated): gnomAD exomes 0.00009; TOPMed 0.00013; ExAC 0.00019; gnomAD 0.00021; 1000 Genomes Project 30x 0.00031; 1000 Genomes Project 0.00040.
gnomAD v4.1: 168 of 1,613,532 alleles (0.01%); highest among the groups gnomAD compares: Middle Eastern, 0.13%; no homozygotes.

Submission:

Labcorp Genetics (formerly Invitae), Labcorp
Classification: Uncertain significance. Last evaluated: 2025-07-30. Review status: criteria provided, single submitter. Criteria: Invitae Variant Classification Sherloc (09022015). Collection method: clinical testing. Allele origin: germline.
Comment: This sequence change replaces threonine, which is neutral and polar, with methionine, which is neutral and non-polar, at codon 730 of the ROBO1 protein (p.Thr730Met). This variant is present in population databases (rs201271022, gnomAD 0.03%). This variant has not been reported in the literature in individuals affected with ROBO1-related conditions. ClinVar contains an entry for this variant (Variation ID: 2172771). An algorithm developed to predict the effect of missense changes on protein structure and function (PolyPhen-2) suggests that this variant is likely to be disruptive. In summary, the available evidence is currently insufficient to determine the role of this variant in disease. Therefore, it has been classified as a Variant of Uncertain Significance.

NM_002941.4(ROBO1):c.2189C>T (p.Thr730Met)

Gene: ROBO1 (roundabout guidance receptor 1; minus strand). Cytogenetic location: 3p12.3.
Variant type: single nucleotide variant.
Coding change: c.2189C>T on transcript NM_002941.4 (MANE Select); coding-DNA position 2189, C replaced by T.
Protein change: p.Thr730Met; replaces threonine 730 with methionine.
Molecular consequence: missense variant.
Genome position (GRCh38, 1-based): chr3:78,661,161, G>A on the plus strand (C>T on the coding strand, the complement: ROBO1 is on the minus strand). VCF-style: chr3-78661161-G-A. GRCh37 (hg19) VCF-style: chr3-78710311-G-A.
Other names: c.2081C>T, p.Thr694Met (NM_001145844.1, NM_001145845.2, NM_133631.4); short protein forms T694M, T730M.
Identifiers: ClinVar variation 2172771 (VCV002172771.4), dbSNP rs201271022, ClinGen allele CA2498746.